The following is an entry in ClinVar:

ClinVar aggregate classification (germline): Uncertain significance (1 of 4 stars; one submission).

Submission:

Ambry Genetics
Classification: Uncertain significance. Last evaluated: 2026-06-10. Review status: criteria provided, single submitter. Criteria: Ambry Variant Classification Scheme 2023. Collection method: clinical testing. Allele origin: germline.
Comment: The p.G1314R variant (also known as c.3940G>C), located in coding exon 14 of the CDK12 gene, results from a G to C substitution at nucleotide position 3940. The glycine at codon 1314 is replaced by arginine, an amino acid with dissimilar properties. This amino acid position is conserved. In addition, this alteration is predicted to be tolerated by in silico analysis. Based on the available evidence, the clinical significance of this variant remains unclear.

NM_016507.4(CDK12):c.3940G>C (p.Gly1314Arg)

Gene: CDK12 (cyclin dependent kinase 12; plus strand). Cytogenetic location: 17q12.
Variant type: single nucleotide variant.
Coding change: c.3940G>C on transcript NM_016507.4 (MANE Select); coding-DNA position 3940, G replaced by C.
Protein change: p.Gly1314Arg; replaces glycine 1314 with arginine.
Molecular consequence: missense variant.
Genome position (GRCh38, 1-based): chr17:39,530,783, G>C. VCF-style: chr17-39530783-G-C. GRCh37 (hg19) VCF-style: chr17-37687036-G-C.
Other names: c.3913G>C, p.Gly1305Arg (NM_015083.4); short protein forms G1305R, G1314R.
Identifiers: ClinVar variation 4868586 (VCV004868586.1).